The following is an entry in ClinVar:

NM_004370.6(COL12A1):c.2662G>C (p.Ala888Pro)

Gene: COL12A1 (collagen type XII alpha 1 chain; minus strand). Cytogenetic location: 6q13.
Variant type: single nucleotide variant.
Coding change: c.2662G>C on transcript NM_004370.6 (MANE Select); coding-DNA position 2662, G replaced by C.
Protein change: p.Ala888Pro; replaces alanine 888 with proline.
Molecular consequence: missense variant. On other transcripts: intron variant (1).
Genome position (GRCh38, 1-based): chr6:75,175,086, C>G on the plus strand (G>C on the coding strand, the complement: COL12A1 is on the minus strand). VCF-style: chr6-75175086-C-G. GRCh37 (hg19) VCF-style: chr6-75884802-C-G.
Other names: c.74-22604G>C (NM_080645.3); short protein forms A888P.
Identifiers: ClinVar variation 999702 (VCV000999702.30), dbSNP rs373259425, ClinGen allele CA3893918.

ClinVar aggregate classification (germline): Uncertain significance. Review status: criteria provided, multiple submitters, no conflicts (2 of 4 stars). 5 submissions from 5 submitters: Uncertain significance (5). Last evaluated 2026-06-18.

Conditions:
Inborn genetic diseases. Identifiers: MedGen C0950123, MeSH D030342.
Bethlem myopathy 2 (BTHLM2). Identifiers: Orphanet 536516, Orphanet 610, MedGen C4225313, MONDO:0034022, OMIM 616471.
Ullrich congenital muscular dystrophy 2 (UCMD2). Identifiers: Orphanet 75840, MedGen C4225314, MONDO:0014654, OMIM 616470.

Allele frequency attached by ClinVar (database versions not stated): ExAC 0.00001; gnomAD exomes 0.00001 and 0.00005; gnomAD 0.00005 and 0.00006; TOPMed 0.00005; ESP Exome Variant Server 0.00008.

Submissions (5):

GeneDx
Classification: Uncertain significance. Last evaluated: 2026-06-18. Review status: criteria provided, single submitter. Criteria: GeneDx Variant Classification Process June 2021. Collection method: clinical testing. Allele origin: germline.
Comment: Not observed at significant frequency in large population cohorts (gnomAD); In silico analysis suggests that this missense variant does not alter protein structure/function; Has not been previously published as pathogenic or benign to our knowledge

Women's Health and Genetics/Laboratory Corporation of America, LabCorp
Classification: Uncertain significance. Last evaluated: 2025-12-22. Review status: criteria provided, single submitter. Criteria: LabCorp Variant Classification Summary - May 2015. Collection method: clinical testing. Allele origin: germline.
Comment: Variant summary: COL12A1 c.2662G>C (p.Ala888Pro) results in a non-conservative amino acid change in the encoded protein sequence. Algorithms developed to predict the effect of missense changes on protein structure and function are either unavailable or do not agree on the potential impact of this missense change. The variant allele was found at a frequency of 1.2e-05 in 249384 control chromosomes. The available data on variant occurrences in the general population are insufficient to allow any conclusion about variant significance. To our knowledge, no occurrence of c.2662G>C in individuals affected with COL12A1-related conditions and no experimental evidence demonstrating its impact on protein function have been reported. ClinVar contains an entry for this variant (Variation ID: 999702). Based on the evidence outlined above, the variant was classified as uncertain significance.

Labcorp Genetics (formerly Invitae), Labcorp
Classification: Uncertain significance for Bethlem myopathy 2; Ullrich congenital muscular dystrophy 2. Last evaluated: 2025-10-02. Review status: criteria provided, single submitter. Criteria: Invitae Variant Classification Sherloc (09022015). Collection method: clinical testing. Allele origin: germline.
Comment: This sequence change replaces alanine, which is neutral and non-polar, with proline, which is neutral and non-polar, at codon 888 of the COL12A1 protein (p.Ala888Pro). This variant is present in population databases (rs373259425, gnomAD 0.003%). This variant has not been reported in the literature in individuals affected with COL12A1-related conditions. ClinVar contains an entry for this variant (Variation ID: 999702). Invitae Evidence Modeling of protein sequence and biophysical properties (such as structural, functional, and spatial information, amino acid conservation, physicochemical variation, residue mobility, and thermodynamic stability) indicates that this missense variant is not expected to disrupt COL12A1 protein function with a negative predictive value of 80%. In summary, the available evidence is currently insufficient to determine the role of this variant in disease. Therefore, it has been classified as a Variant of Uncertain Significance.

Ambry Genetics
Classification: Uncertain significance for Inborn genetic diseases. Last evaluated: 2024-12-04. Review status: criteria provided, single submitter. Criteria: Ambry Variant Classification Scheme 2023. Collection method: clinical testing. Allele origin: germline.

CeGaT Center for Human Genetics Tuebingen
Classification: Uncertain significance. Last evaluated: 2024-05-01. Review status: criteria provided, single submitter. Criteria: CeGaT Center For Human Genetics Tuebingen Variant Classification Criteria Version 2. Collection method: clinical testing. Allele origin: germline. Affected: yes. Observed: 1 variant allele.
Comment: COL12A1: PM2